The following is an entry in ClinVar:

ClinVar aggregate classification (germline): Uncertain significance (1 of 4 stars; one submission).

Conditions:
Hereditary cancer-predisposing syndrome. Also called: Tumor predisposition; Hereditary neoplastic syndrome; Neoplastic Syndromes, Hereditary; Hereditary Cancer Syndrome. Identifiers: Orphanet 140162, MedGen C0027672, MeSH D009386, MONDO:0015356.

Submission:

Ambry Genetics
Classification: Uncertain significance for Hereditary cancer-predisposing syndrome. Last evaluated: 2026-04-21. Review status: criteria provided, single submitter. Criteria: Ambry Variant Classification Scheme 2023. Collection method: clinical testing. Allele origin: germline.
Comment: The p.P349A variant (also known as c.1045C>G), located in coding exon 7 of the FH gene, results from a C to G substitution at nucleotide position 1045. The proline at codon 349 is replaced by alanine, an amino acid with highly similar properties. This amino acid position is highly conserved in available vertebrate species. In addition, this alteration is predicted to be deleterious by in silico analysis. Based on the available evidence, the clinical significance of this variant remains unclear.

NM_000143.4(FH):c.1045C>G (p.Pro349Ala)

Gene: FH (fumarate hydratase; minus strand). Cytogenetic location: 1q43.
Variant type: single nucleotide variant.
Coding change: c.1045C>G on transcript NM_000143.4 (MANE Select); coding-DNA position 1045, C replaced by G.
Protein change: p.Pro349Ala; replaces proline 349 with alanine.
Molecular consequence: missense variant.
Genome position (GRCh38, 1-based): chr1:241,504,105, G>C on the plus strand (C>G on the coding strand, the complement: FH is on the minus strand). VCF-style: chr1-241504105-G-C. GRCh37 (hg19) VCF-style: chr1-241667405-G-C.
Other names: short protein forms P349A.
Identifiers: ClinVar variation 485574 (VCV000485574.6), dbSNP rs1254962869, ClinGen allele CA345438151.